The following is an entry in ClinVar:

NM_001009944.3(PKD1):c.11716T>C (p.Cys3906Arg)

Gene: PKD1 (polycystin 1, transient receptor potential channel interacting; minus strand). Cytogenetic location: 16p13.3.
Variant type: single nucleotide variant.
Coding change: c.11716T>C on transcript NM_001009944.3 (MANE Select); coding-DNA position 11716, T replaced by C.
Protein change: p.Cys3906Arg; replaces cysteine 3906 with arginine.
Molecular consequence: missense variant.
Genome position (GRCh38, 1-based): chr16:2,091,171, A>G on the plus strand (T>C on the coding strand, the complement: PKD1 is on the minus strand). VCF-style: chr16-2091171-A-G. GRCh37 (hg19) VCF-style: chr16-2141172-A-G.
Other names: c.11713T>C, p.Cys3905Arg (NM_000296.4); short protein forms C3906R, C3905R.
Identifiers: ClinVar variation 873353 (VCV000873353.1), dbSNP rs2091502521, ClinGen allele CA394330337.
Genomic context (GRCh38, chr16:2,091,171, plus strand): 5'-CTTCCCTGTGCCAAGTACGGGCCTCGGCCACGGCGAAGTGCACGGCGAACAGCAGCAGGC[A>G]CACCTGTGGGGGGCGCGGTCAGGAGGGCGGGAGGGACGCTGCCGGGGCGGGGCCCTGCGA-3'
Protein context (NP_001009944.3, residues 3896-3916): GLSLPLLTSV[Cys3906Arg]LLLFAVHFAV

ClinVar aggregate classification (germline): Uncertain significance (1 of 4 stars; one submission).

Conditions:
Polycystic kidney disease, adult type (PKD1). Also called: POLYCYSTIC KIDNEY DISEASE 1 WITH OR WITHOUT POLYCYSTIC LIVER DISEASE; Polycystic Kidney Disease 1, Autosomal Dominant; Polycystic kidney disease 1; Polycystic kidney disease 1, severe; Polycystic Kidney, Autosomal Dominant; POLYCYSTIC KIDNEY DISEASE, ADULT, TYPE I. Identifiers: MedGen C3149841, MONDO:0008263, OMIM 173900.

Submission:

Cavalleri Lab, Royal College of Surgeons in Ireland
Classification: Uncertain significance for Polycystic kidney disease, adult type. Last evaluated: 2020-02-05. Review status: criteria provided, single submitter. Criteria: ACMG Guidelines, 2015. Collection method: research. Allele origin: unknown. Inheritance: Autosomal dominant inheritance. Affected: yes.
Comment: PM2, PP3, PP4, PP5